The following is an entry in ClinVar:

ClinVar aggregate classification (germline): Likely pathogenic (1 of 4 stars; one submission).

Conditions:
McKusick-Kaufman syndrome (MKKS). Also called: HYDROMETROCOLPOS SYNDROME; HYDROMETROCOLPOS, POSTAXIAL POLYDACTYLY, AND CONGENITAL HEART MALFORMATION. Identifiers: Orphanet 2473, MedGen C0948368, MONDO:0009367, OMIM 236700.
Bardet-Biedl syndrome (BBS). Identifiers: Orphanet 110, MedGen C0752166, MONDO:0015229.

gnomAD v4.1: 12 of 1,612,926 alleles (0.00074%); highest among the groups gnomAD compares: Non-Finnish European, 0.001%; no homozygotes.

Submission:

Labcorp Genetics (formerly Invitae), Labcorp
Classification: Likely pathogenic for McKusick-Kaufman syndrome; Bardet-Biedl syndrome. Last evaluated: 2026-01-12. Review status: criteria provided, single submitter. Criteria: Invitae Variant Classification Sherloc (09022015). Collection method: clinical testing. Allele origin: germline.
Comment: This sequence change replaces glycine, which is neutral and non-polar, with aspartic acid, which is acidic and polar, at codon 41 of the MKKS protein (p.Gly41Asp). This variant is not present in population databases (gnomAD no frequency). This variant has not been reported in the literature in individuals affected with MKKS-related conditions. Invitae Evidence Modeling of protein sequence and biophysical properties (such as structural, functional, and spatial information, amino acid conservation, physicochemical variation, residue mobility, and thermodynamic stability) indicates that this missense variant is expected to disrupt MKKS protein function with a positive predictive value of 95%. This variant disrupts the p.Gly41 amino acid residue in MKKS. Other variant(s) that disrupt this residue have been determined to be pathogenic (PMID: 20472660). This suggests that this residue is clinically significant, and that variants that disrupt this residue are likely to be disease-causing. In summary, the currently available evidence indicates that the variant is pathogenic, but additional data are needed to prove that conclusively. Therefore, this variant has been classified as Likely Pathogenic.

Literature cited by the submitters: PubMed 20472660.

NM_170784.3(MKKS):c.122G>A (p.Gly41Asp)

Gene: MKKS (MKKS centrosomal shuttling protein; minus strand). Cytogenetic location: 20p12.2.
Variant type: single nucleotide variant.
Coding change: c.122G>A on transcript NM_170784.3 (MANE Select); coding-DNA position 122, G replaced by A.
Protein change: p.Gly41Asp; replaces glycine 41 with aspartic acid.
Molecular consequence: missense variant.
Genome position (GRCh38, 1-based): chr20:10,413,393, C>T on the plus strand (G>A on the coding strand, the complement: MKKS is on the minus strand). VCF-style: chr20-10413393-C-T. GRCh37 (hg19) VCF-style: chr20-10394041-C-T.
Other names: c.122G>A, p.Gly41Asp (NM_018848.3); short protein forms G41D.
Identifiers: ClinVar variation 4791360 (VCV004791360.1).